The following is an entry in ClinVar:

ClinVar aggregate classification (germline): Uncertain significance (1 of 4 stars; one submission).

Conditions:
Hereditary breast ovarian cancer syndrome. Also called: Hereditary breast and ovarian cancer syndrome; Breast and ovarian cancer; BRCA1- and BRCA2-Associated Hereditary Breast and Ovarian Cancer; Hereditary breast and ovarian cancer syndrome (HBOC); Hereditary breast and/or ovarian cancer syndrome; Hereditary breast and ovarian cancer. Identifiers: Orphanet 145, MedGen C0677776, MeSH D061325, MONDO:0003582. Disease mechanism: loss of function.

Submission:

Labcorp Genetics (formerly Invitae), Labcorp
Classification: Uncertain significance for Hereditary breast ovarian cancer syndrome. Last evaluated: 2023-02-22. Review status: criteria provided, single submitter. Criteria: Invitae Variant Classification Sherloc (09022015). Collection method: clinical testing. Allele origin: germline.
Comment: This missense change has been observed in individual(s) with breast cancer (PMID: 21918854). In summary, the available evidence is currently insufficient to determine the role of this variant in disease. Therefore, it has been classified as a Variant of Uncertain Significance. Advanced modeling of protein sequence and biophysical properties (such as structural, functional, and spatial information, amino acid conservation, physicochemical variation, residue mobility, and thermodynamic stability) performed at Invitae indicates that this missense variant is not expected to disrupt BRCA2 protein function. This variant is not present in population databases (gnomAD no frequency). This sequence change replaces glutamic acid, which is acidic and polar, with glycine, which is neutral and non-polar, at codon 1391 of the BRCA2 protein (p.Glu1391Gly).

Literature cited by the submitters: PubMed 21918854.

NM_000059.4(BRCA2):c.4172A>G (p.Glu1391Gly)

Gene: BRCA2 (BRCA2 DNA repair associated; plus strand). Cytogenetic location: 13q13.1.
Variant type: single nucleotide variant.
Coding change: c.4172A>G on transcript NM_000059.4 (MANE Select); coding-DNA position 4172, A replaced by G.
Protein change: p.Glu1391Gly; replaces glutamic acid 1391 with glycine.
Molecular consequence: missense variant. On other transcripts: non-coding transcript variant (1), intron variant (2).
Genome position (GRCh38, 1-based): chr13:32,338,527, A>G. VCF-style: chr13-32338527-A-G. GRCh37 (hg19) VCF-style: chr13-32912664-A-G.
Other names: c.4172A>G, p.Glu1391Gly (NM_001406719.1, NM_001406720.1); c.1909+5140A>G (NM_001406721.1); c.425-6031A>G (NM_001406722.1); short protein forms E1391G.
Identifiers: ClinVar variation 2801591 (VCV002801591.3), dbSNP rs2137503629, ClinGen allele CA387780089.